The following is an entry in ClinVar:

NM_014967.5(FAN1):c.1A>G (p.Met1Val)

Gene: FAN1 (FANCD2 and FANCI associated nuclease 1; plus strand). Cytogenetic location: 15q13.3.
Variant type: single nucleotide variant.
Coding change: c.1A>G on transcript NM_014967.5 (MANE Select); coding-DNA position 1, A replaced by G.
Protein change: p.Met1Val; changes the start codon (methionine 1).
Molecular consequence: missense variant, initiator codon variant.
Genome position (GRCh38, 1-based): chr15:30,904,664, A>G. VCF-style: chr15-30904664-A-G. GRCh37 (hg19) VCF-style: chr15-31196867-A-G.
Other names: c.1A>G, p.Met1Val (NM_001146094.2, NM_001146095.1, NM_001146096.2); short protein forms M1V.
Identifiers: ClinVar variation 1361869 (VCV001361869.7), dbSNP rs139312614, ClinGen allele CA7449949.

ClinVar aggregate classification (germline): Uncertain significance. Review status: criteria provided, multiple submitters, no conflicts (2 of 4 stars). 2 submissions from 2 submitters: Uncertain significance (2). Last evaluated 2024-06-24.

Conditions:
Karyomegalic interstitial nephritis. Identifiers: Orphanet 401996, MedGen C3553774, MONDO:0013898, OMIM 614817.

Allele frequency attached by ClinVar (database versions not stated): ExAC 0.00003; gnomAD 0.00003 and 0.00004; gnomAD exomes 0.00003 and 0.00004; TOPMed 0.00006; ESP Exome Variant Server 0.00008.

Submissions (2):

Labcorp Genetics (formerly Invitae), Labcorp
Classification: Uncertain significance. Last evaluated: 2024-06-24. Review status: criteria provided, single submitter. Criteria: Invitae Variant Classification Sherloc (09022015). Collection method: clinical testing. Allele origin: germline.
Comment: This sequence change affects the initiator methionine of the FAN1 mRNA. The next in-frame methionine is located at codon 2. This variant is present in population databases (rs139312614, gnomAD 0.006%). This variant has not been reported in the literature in individuals affected with FAN1-related conditions. ClinVar contains an entry for this variant (Variation ID: 1361869). Experimental studies and prediction algorithms are not available or were not evaluated, and the functional significance of this variant is currently unknown. In summary, the available evidence is currently insufficient to determine the role of this variant in disease. Therefore, it has been classified as a Variant of Uncertain Significance.

Fulgent Genetics
Classification: Uncertain significance for Karyomegalic interstitial nephritis. Last evaluated: 2024-03-30. Review status: criteria provided, single submitter. Criteria: ACMG Guidelines, 2015. Collection method: clinical testing. Allele origin: germline.